The following is an entry in ClinVar:

NM_032977.4(CASP10):c.*2757A>G

Gene: CASP10 (caspase 10; plus strand). Cytogenetic location: 2q33.1.
Variant type: single nucleotide variant.
Coding change: c.*2757A>G on transcript NM_032977.4 (MANE Select); 2757 bases downstream of the stop codon, A replaced by G.
Molecular consequence: 3 prime UTR variant. On other transcripts: intron variant (2).
Genome position (GRCh38, 1-based): chr2:201,220,498, A>G. VCF-style: chr2-201220498-A-G. GRCh37 (hg19) VCF-style: chr2-202085221-A-G.
Other names: c.*2757A>G (NM_001206524.2, NM_001230.5); c.*3412A>G (NM_032976.4); c.1416-8435A>G (NM_032974.5); c.1287-8435A>G (NM_001206542.2).
Identifiers: ClinVar variation 333481 (VCV000333481.5), dbSNP rs13414860, ClinGen allele CA10612373.

ClinVar aggregate classification (germline): Benign (1 of 4 stars; one submission).

Conditions:
Autoimmune lymphoproliferative syndrome type 2A (ALPS2A). Also called: CASP10-Related Autoimmune Lymphoproliferative Syndrome; AUTOIMMUNE LYMPHOPROLIFERATIVE SYNDROME, TYPE IIA; Autoimmune lymphoproliferative syndrome type 2. Identifiers: Orphanet 3261, MedGen C1858968, MONDO:0011383, OMIM 603909.

Allele frequency attached by ClinVar (database versions not stated): gnomAD exomes 0.00419; gnomAD 0.05998 and 0.06432; TOPMed 0.06777; 1000 Genomes Project 0.06889; 1000 Genomes Project 30x 0.07417.
gnomAD v4.1: 9,053 of 154,366 alleles (5.9%); highest among the groups gnomAD compares: African/African-American, 21%; 885 homozygotes.

Submission:

Illumina Laboratory Services, Illumina
Classification: Benign for Autoimmune lymphoproliferative syndrome type 2A. Last evaluated: 2018-01-12. Review status: criteria provided, single submitter. Criteria: ICSL Variant Classification Criteria 13 December 2019. Collection method: clinical testing. Allele origin: germline.
Comment: This variant was observed in the ICSL laboratory as part of a predisposition screen in an ostensibly healthy population. It had not been previously curated by ICSL or reported in the Human Gene Mutation Database (HGMD: prior to June 1st, 2018), and was therefore a candidate for classification through an automated scoring system. Utilizing variant allele frequency, disease prevalence and penetrance estimates, and inheritance mode, an automated score was calculated to assess if this variant is too frequent to cause the disease. Based on the score and internal cut-off values, a variant classified as benign is not then subjected to further curation. The score for this variant resulted in a classification of benign for this disease.